The following is an entry in ClinVar:

NM_052876.4(NACC1):c.207G>A (p.Leu69=)

Gene: NACC1 (nucleus accumbens associated 1; plus strand). Cytogenetic location: 19p13.13.
Variant type: single nucleotide variant.
Coding change: c.207G>A on transcript NM_052876.4 (MANE Select); coding-DNA position 207, G replaced by A.
Protein change: p.Leu69=; no amino-acid change (leucine 69 retained).
Molecular consequence: synonymous variant.
Genome position (GRCh38, 1-based): chr19:13,135,414, G>A. VCF-style: chr19-13135414-G-A. GRCh37 (hg19) VCF-style: chr19-13246228-G-A.
Identifiers: ClinVar variation 713660 (VCV000713660.36), dbSNP rs149110290, ClinGen allele CA9238234.

ClinVar aggregate classification (germline): Benign/Likely benign. Review status: criteria provided, multiple submitters, no conflicts (2 of 4 stars). 4 submissions from 4 submitters: Benign (2); Likely benign (1). 1 of the submissions does not count toward it. Last evaluated 2026-04-01.

Conditions:
NACC1-related disorder. Also called: NACC1-related condition.

Allele frequency attached by ClinVar (database versions not stated): 1000 Genomes Project 30x 0.00094; 1000 Genomes Project 0.00100; gnomAD 0.00119 and 0.00126; gnomAD exomes 0.00138 and 0.00169; TOPMed 0.00142; ExAC 0.00144; ESP Exome Variant Server 0.00200.
gnomAD v4.1: 2,668 of 1,613,080 alleles (0.17%); highest among the groups gnomAD compares: Non-Finnish European, 0.2%; 10 homozygotes.

Submissions (4):

CeGaT Center for Human Genetics Tuebingen
Classification: Benign. Last evaluated: 2026-04-01. Review status: criteria provided, single submitter. Criteria: CeGaT Center For Human Genetics Tuebingen Variant Classification Criteria Version 2. Collection method: clinical testing. Allele origin: germline. Affected: yes. Observed: 6 variant alleles.
Comment: NACC1: BP4, BS1, BS2

Labcorp Genetics (formerly Invitae), Labcorp
Classification: Benign. Last evaluated: 2026-02-03. Review status: criteria provided, single submitter. Criteria: Invitae Variant Classification Sherloc (09022015). Collection method: clinical testing. Allele origin: germline.

Blueprint Genetics
Classification: Likely benign. Last evaluated: 2024-11-26. Review status: criteria provided, single submitter. Criteria: ACMG Guidelines, 2015. Collection method: clinical testing. Allele origin: germline.

PreventionGenetics, part of Exact Sciences
Classification: Likely benign for NACC1-related condition. Last evaluated: 2019-04-26. Review status: no assertion criteria provided. Collection method: clinical testing. Allele origin: germline. Not counted in ClinVar's aggregate classification.
Comment: This variant is classified as likely benign based on ACMG/AMP sequence variant interpretation guidelines (Richards et al. 2015 PMID: 25741868, with internal and published modifications).